The following is an entry in ClinVar:

ClinVar aggregate classification (germline): Uncertain significance (1 of 4 stars; one submission).

Submission:

GeneDx
Classification: Uncertain significance. Last evaluated: 2025-07-24. Review status: criteria provided, single submitter. Criteria: GeneDx Variant Classification Process June 2021. Collection method: clinical testing. Allele origin: germline. Affected: yes.
Comment: Not observed at significant frequency in large population cohorts (gnomAD); In silico analysis suggests that this missense variant does not alter protein structure/function; Has not been previously published as pathogenic or benign to our knowledge

NM_001127464.1:c.8197A>G

Gene: ZNF469 (zinc finger protein 469; plus strand).
Variant type: single nucleotide variant.
Identifiers: ClinVar variation 4687060 (VCV004687060.1).